The following is an entry in ClinVar:

NM_005475.3(SH2B3):c.347C>T (p.Pro116Leu)

Gene: SH2B3 (SH2B adaptor protein 3; plus strand). Cytogenetic location: 12q24.12.
Variant type: single nucleotide variant.
Coding change: c.347C>T on transcript NM_005475.3 (MANE Select); coding-DNA position 347, C replaced by T.
Protein change: p.Pro116Leu; replaces proline 116 with leucine.
Molecular consequence: missense variant.
Genome position (GRCh38, 1-based): chr12:111,418,492, C>T. VCF-style: chr12-111418492-C-T. GRCh37 (hg19) VCF-style: chr12-111856296-C-T.
Other names: short protein forms P116L.
Identifiers: ClinVar variation 4630739 (VCV004630739.1).

ClinVar aggregate classification (germline): Uncertain significance (1 of 4 stars; one submission).

Conditions:
Inborn genetic diseases. Identifiers: MedGen C0950123, MeSH D030342.

gnomAD v4.1: 1 of 1,373,612 alleles (0.000073%); highest among the groups gnomAD compares: African/African-American, 0.0016%; no homozygotes.

Submission:

Ambry Genetics
Classification: Uncertain significance for Inborn genetic diseases. Last evaluated: 2025-10-28. Review status: criteria provided, single submitter. Criteria: Ambry Variant Classification Scheme 2023. Collection method: clinical testing. Allele origin: germline.
Comment: The p.P116L variant (also known as c.347C>T), located in coding exon 1 of the SH2B3 gene, results from a C to T substitution at nucleotide position 347. The proline at codon 116 is replaced by leucine, an amino acid with similar properties. This amino acid position is conserved. In addition, this alteration is predicted to be tolerated by in silico analysis. Based on the available evidence, the clinical significance of this variant remains unclear.